The following is an entry in ClinVar:

NM_021615.5(CHST6):c.245A>C (p.Gln82Pro)

Gene: CHST6 (carbohydrate sulfotransferase 6; minus strand). Cytogenetic location: 16q23.1.
Variant type: single nucleotide variant.
Coding change: c.245A>C on transcript NM_021615.5 (MANE Select); coding-DNA position 245, A replaced by C.
Protein change: p.Gln82Pro; replaces glutamine 82 with proline.
Molecular consequence: missense variant.
Genome position (GRCh38, 1-based): chr16:75,479,584, T>G on the plus strand (A>C on the coding strand, the complement: CHST6 is on the minus strand). VCF-style: chr16-75479584-T-G. GRCh37 (hg19) VCF-style: chr16-75513482-T-G.
Other names: short protein forms Q82P.
Identifiers: ClinVar variation 3492761 (VCV003492761.2).

ClinVar aggregate classification (germline): Uncertain significance. Review status: criteria provided, multiple submitters, no conflicts (2 of 4 stars). 2 submissions from 2 submitters: Uncertain significance (2). Last evaluated 2025-09-24.

Conditions:
Inborn genetic diseases. Identifiers: MedGen C0950123, MeSH D030342.
Macular corneal dystrophy (MCD). Also called: GROENOUW TYPE II CORNEAL DYSTROPHY; Macular corneal dystrophy Type I. Identifiers: Orphanet 98969, MedGen C1636149, MONDO:0009020, OMIM 217800.

gnomAD v4.1: 5 of 1,612,970 alleles (0.00031%); highest among the groups gnomAD compares: Admixed American, 0.0083%; no homozygotes.

Submissions (2):

Labcorp Genetics (formerly Invitae), Labcorp
Classification: Uncertain significance for Macular corneal dystrophy. Last evaluated: 2025-09-24. Review status: criteria provided, single submitter. Criteria: Invitae Variant Classification Sherloc (09022015). Collection method: clinical testing. Allele origin: germline.
Comment: This sequence change replaces glutamine, which is neutral and polar, with proline, which is neutral and non-polar, at codon 82 of the CHST6 protein (p.Gln82Pro). This variant is present in population databases (no rsID available, gnomAD 0.006%). This variant has not been reported in the literature in individuals affected with CHST6-related conditions. ClinVar contains an entry for this variant (Variation ID: 3492761). Invitae Evidence Modeling of protein sequence and biophysical properties (such as structural, functional, and spatial information, amino acid conservation, physicochemical variation, residue mobility, and thermodynamic stability) indicates that this missense variant is not expected to disrupt CHST6 protein function with a negative predictive value of 80%. In summary, the available evidence is currently insufficient to determine the role of this variant in disease. Therefore, it has been classified as a Variant of Uncertain Significance.

Ambry Genetics
Classification: Uncertain significance for Inborn genetic diseases. Last evaluated: 2024-08-19. Review status: criteria provided, single submitter. Criteria: Ambry Variant Classification Scheme 2023. Collection method: clinical testing. Allele origin: germline.